The following is an entry in ClinVar:

NM_005148.4(UNC119):c.716C>T (p.Thr239Ile)

Gene: UNC119 (unc-119 lipid binding chaperone; minus strand). Cytogenetic location: 17q11.2.
Variant type: single nucleotide variant.
Coding change: c.716C>T on transcript NM_005148.4 (MANE Select); coding-DNA position 716, C replaced by T.
Protein change: p.Thr239Ile; replaces threonine 239 with isoleucine.
Molecular consequence: missense variant. On other transcripts: 3 prime UTR variant (1).
Genome position (GRCh38, 1-based): chr17:28,547,304, G>A on the plus strand (C>T on the coding strand, the complement: UNC119 is on the minus strand). VCF-style: chr17-28547304-G-A. GRCh37 (hg19) VCF-style: chr17-26874322-G-A.
Other names: c.431C>T, p.Thr144Ile (NM_001330166.2); c.*320C>T (NM_054035.2); short protein forms T144I, T239I.
Identifiers: ClinVar variation 3725205 (VCV003725205.2).
Genomic context (GRCh38, chr17:28,547,304, plus strand): 5'-TCACAGCTCCCAGCCCAGAACTGGAGCCTCCTGGGGTCAGGGCAGCCGTGGGGTCAGGGT[G>A]TCCCGCTGTAGGAATAGTCTGCTTTATTGTGCATCACCAGCCGGTCATCCACGAAGTAGA-3'
Protein context (NP_005139.1, residues 229-240): HNKADYSYSG[Thr239Ile]P

ClinVar aggregate classification (germline): Uncertain significance (1 of 4 stars; one submission).

Submission:

Labcorp Genetics (formerly Invitae), Labcorp
Classification: Uncertain significance. Last evaluated: 2024-11-13. Review status: criteria provided, single submitter. Criteria: Invitae Variant Classification Sherloc (09022015). Collection method: clinical testing. Allele origin: germline.
Comment: This sequence change replaces threonine, which is neutral and polar, with isoleucine, which is neutral and non-polar, at codon 239 of the UNC119 protein (p.Thr239Ile). This variant is not present in population databases (gnomAD no frequency). This variant has not been reported in the literature in individuals affected with UNC119-related conditions. An algorithm developed to predict the effect of missense changes on protein structure and function (PolyPhen-2) suggests that this variant is likely to be tolerated. In summary, the available evidence is currently insufficient to determine the role of this variant in disease. Therefore, it has been classified as a Variant of Uncertain Significance.